The following is an entry in ClinVar:

ClinVar aggregate classification (germline): Pathogenic. Review status: criteria provided, multiple submitters, no conflicts (2 of 4 stars). 5 submissions from 5 submitters: Pathogenic (4). 1 of the submissions does not count toward it. Last evaluated 2023-12-27.

Conditions:
Thrombotic thrombocytopenic purpura. Also called: Moschowitz syndrome; Moschkowitz Disease. Identifiers: Orphanet 54057, MedGen C0034155, MONDO:0018896.
Upshaw-Schulman syndrome (TTP). Also called: Congenital thrombotic thrombocytopenic purpura; THROMBOTIC THROMBOCYTOPENIC PURPURA, HEREDITARY. Identifiers: Orphanet 93583, MedGen C1268935, MONDO:0010122, OMIM 274150.

Allele frequency attached by ClinVar (database versions not stated): gnomAD exomes 0.00001.
gnomAD v4.1: 11 of 1,613,954 alleles (0.00068%); highest among the groups gnomAD compares: South Asian, 0.0077%; no homozygotes.

Submissions (5):

MVZ Medizinische Genetik Mainz
Classification: Pathogenic for Upshaw-Schulman syndrome. Last evaluated: 2023-12-27. Review status: criteria provided, single submitter. Criteria: UK Practice Guidelines For Variant Classification V4 01 2020. Collection method: clinical testing. Allele origin: germline. Inheritance: Autosomal recessive inheritance. Affected: yes. Observed: 1 variant allele.
Comment: ACMG Criteria: PM3_VSTR,PS3,PM2_SUP,PP3,PP4

Labcorp Genetics (formerly Invitae), Labcorp
Classification: Pathogenic. Last evaluated: 2023-04-12. Review status: criteria provided, single submitter. Criteria: Invitae Variant Classification Sherloc (09022015). Collection method: clinical testing. Allele origin: germline.
Comment: Experimental studies have shown that this missense change affects ADAMTS13 function (PMID: 17849048, 22783805). For these reasons, this variant has been classified as Pathogenic. An algorithm developed to predict the effect of missense changes on protein structure and function (PolyPhen-2) suggests that this variant is likely to be disruptive. ClinVar contains an entry for this variant (Variation ID: 68805). This missense change has been observed in individual(s) with thrombotic thrombocytopenic purpura (PMID: 15009458, 22783805, 28678087, 30312976, 31064749, 32496441). In at least one individual the data is consistent with being in trans (on the opposite chromosome) from a pathogenic variant. This variant is present in population databases (rs281875299, gnomAD 0.01%). This sequence change replaces alanine, which is neutral and non-polar, with valine, which is neutral and non-polar, at codon 596 of the ADAMTS13 protein (p.Ala596Val).

NIHR Bioresource Rare Diseases, University of Cambridge
Classification: Pathogenic for Thrombotic thrombocytopenic purpura. Last evaluated: 2019-02-01. Review status: criteria provided, single submitter. Criteria: ACMG Guidelines, 2015. Collection method: research. Allele origin: unknown. Affected: yes. Observed: 1 homozygote. Study: ThromboGenomics.

Juno Genomics, Hangzhou Juno Genomics, Inc
Classification: Pathogenic for Upshaw-Schulman syndrome. Review status: criteria provided, single submitter. Criteria: ACMG Guidelines, 2015. Collection method: clinical testing. Allele origin: germline.
Comment: Absent from controls (or at extremely low frequency if recessive) in Genome Aggregation Database.;Multiple lines of computational evidence support a deleterious effect on the gene or gene product.;For recessive disorders, detected in trans with a pathogenic variant.;Patient's phenotype or family history is highly specific for a disease with a single genetic etiology.

UniProtKB/Swiss-Prot
No classification provided. Review status: no classification provided. Collection method: not provided. Allele origin: not provided. Not counted in ClinVar's aggregate classification.

Literature cited by the submitters: PubMed 17849048 (cited by Labcorp Genetics (formerly Invitae), Labcorp); PubMed 22783805 (cited by Labcorp Genetics (formerly Invitae), Labcorp); PubMed 15009458 (cited by Labcorp Genetics (formerly Invitae), Labcorp); PubMed 28678087 (cited by Labcorp Genetics (formerly Invitae), Labcorp); PubMed 30312976 (cited by Labcorp Genetics (formerly Invitae), Labcorp); PubMed 31064749 (cited by Labcorp Genetics (formerly Invitae), Labcorp and NIHR Bioresource Rare Diseases, University of Cambridge); PubMed 32496441 (cited by Labcorp Genetics (formerly Invitae), Labcorp).

NM_139027.6(ADAMTS13):c.1787C>T (p.Ala596Val)

Gene: ADAMTS13 (ADAM metallopeptidase with thrombospondin type 1 motif 13; plus strand). Cytogenetic location: 9q34.2.
Variant type: single nucleotide variant.
Coding change: c.1787C>T on transcript NM_139027.6 (MANE Select); coding-DNA position 1787, C replaced by T.
Protein change: p.Ala596Val; replaces alanine 596 with valine.
Molecular consequence: missense variant. On other transcripts: non-coding transcript variant (1).
Genome position (GRCh38, 1-based): chr9:133,440,344, C>T. VCF-style: chr9-133440344-C-T. GRCh37 (hg19) VCF-style: chr9-136305465-C-T.
Other names: c.1787C>T, p.Ala596Val (NM_139025.5); c.1694C>T, p.Ala565Val (NM_139026.6); short protein forms A596V, A565V.
Identifiers: ClinVar variation 68805 (VCV000068805.11), dbSNP rs281875299, ClinGen allele CA219992.
Genomic context (GRCh38, chr9:133,440,344, plus strand): 5'-TGCCTGTGAGGAGGATGGGTGCTCAGCTCCACACAGCTAACAGGGCTGGTTCCCCGACAG[C>T]GGTGAGGATCGGAGGGCGCTATGTCGTGGCTGGGAAGATGAGCATCTCCCCTAACACCAC-3'
Protein context (NP_620596.2, residues 586-606): ANHRPLFTHL[Ala596Val]VRIGGRYVVA